The following is an entry in ClinVar:

NM_031935.3(HMCN1):c.16784G>A (p.Arg5595Gln)

Gene: HMCN1 (hemicentin 1; plus strand). Cytogenetic location: 1q31.1.
Variant type: single nucleotide variant.
Coding change: c.16784G>A on transcript NM_031935.3 (MANE Select); coding-DNA position 16784, G replaced by A.
Protein change: p.Arg5595Gln; replaces arginine 5595 with glutamine.
Molecular consequence: missense variant.
Genome position (GRCh38, 1-based): chr1:186,189,754, G>A. VCF-style: chr1-186189754-G-A. GRCh37 (hg19) VCF-style: chr1-186158886-G-A.
Other names: short protein forms R5595Q.
Identifiers: ClinVar variation 2986891 (VCV002986891.3), dbSNP rs765183136, ClinGen allele CA1295649.

ClinVar aggregate classification (germline): Uncertain significance (1 of 4 stars; one submission).

Allele frequency attached by ClinVar (database versions not stated): TOPMed below 0.00001; ExAC 0.00002.
gnomAD v4.1: 4 of 1,613,580 alleles (0.00025%); highest among the groups gnomAD compares: East Asian, 0.0022%; no homozygotes.

Submission:

Labcorp Genetics (formerly Invitae), Labcorp
Classification: Uncertain significance. Last evaluated: 2023-06-10. Review status: criteria provided, single submitter. Criteria: Invitae Variant Classification Sherloc (09022015). Collection method: clinical testing. Allele origin: germline.
Comment: In summary, the available evidence is currently insufficient to determine the role of this variant in disease. Therefore, it has been classified as a Variant of Uncertain Significance. An algorithm developed to predict the effect of missense changes on protein structure and function (PolyPhen-2) suggests that this variant is likely to be tolerated. This variant has not been reported in the literature in individuals affected with HMCN1-related conditions. This variant is present in population databases (rs765183136, gnomAD 0.006%). This sequence change replaces arginine, which is basic and polar, with glutamine, which is neutral and polar, at codon 5595 of the HMCN1 protein (p.Arg5595Gln).